The following is an entry in ClinVar:

NM_006514.4(SCN10A):c.4089+1G>C

Gene: SCN10A (sodium voltage-gated channel alpha subunit 10; minus strand). Cytogenetic location: 3p22.2.
Variant type: single nucleotide variant.
Coding change: c.4089+1G>C on transcript NM_006514.4 (MANE Select); the canonical splice donor site of the intron after coding-DNA position 4089, G replaced by C.
Molecular consequence: splice donor variant.
Genome position (GRCh38, 1-based): chr3:38,712,160, C>G on the plus strand (G>C on the coding strand, the complement: SCN10A is on the minus strand). VCF-style: chr3-38712160-C-G. GRCh37 (hg19) VCF-style: chr3-38753651-C-G.
Other names: c.3795+1G>C (NM_001293307.2); c.4086+1G>C (NM_001293306.2).
Identifiers: ClinVar variation 641987 (VCV000641987.7), dbSNP rs778498254, ClinGen allele CA2320038.
Genomic context (GRCh38, chr3:38,712,160, plus strand): 5'-GACTCTCCATTTTATTGAGCGGCCAAAGCAAGAGATATGGTTGATCTCATGGTTGACTCA[C>G]CACCTGCAGAAGTGCAAGGTAACCCATTGCAACATTATCAAAGTTGACTTTCACATTGAC-3'

ClinVar aggregate classification (germline): Conflicting classifications of pathogenicity. Review status: criteria provided, conflicting classifications (1 of 4 stars). 2 submissions from 2 submitters: Uncertain significance (1); Likely benign (1). Last evaluated 2025-04-22.

Conditions:
Brugada syndrome. Also called: Sudden Unexplained Death Syndrome; Sudden Unexplained Nocturnal Death Syndrome (SUNDS); Sudden unexplained nocturnal death syndrome; Sudden unexpected nocturnal death syndrome. Identifiers: Orphanet 130, MedGen C1142166, MONDO:0015263.
Cardiovascular phenotype. Identifiers: MedGen CN230736.

Allele frequency attached by ClinVar (database versions not stated): TOPMed 0.00001; ExAC 0.00003; gnomAD exomes 0.00006.
gnomAD v4.1: 16 of 1,613,462 alleles (0.00099%); highest among the groups gnomAD compares: Admixed American, 0.027%; no homozygotes.

Submissions (2):

Labcorp Genetics (formerly Invitae), Labcorp
Classification: Uncertain significance for Brugada syndrome. Last evaluated: 2025-04-22. Review status: criteria provided, single submitter. Criteria: Invitae Variant Classification Sherloc (09022015). Collection method: clinical testing. Allele origin: germline.
Comment: This sequence change affects a donor splice site in intron 22 of the SCN10A gene. It is expected to disrupt RNA splicing. Variants that disrupt the donor or acceptor splice site typically lead to a loss of protein function (PMID: 16199547), however the current clinical and genetic evidence is not sufficient to establish whether loss-of-function variants in SCN10A cause disease. This variant is present in population databases (rs778498254, gnomAD 0.04%). This variant has not been reported in the literature in individuals affected with SCN10A-related conditions. ClinVar contains an entry for this variant (Variation ID: 641987). Algorithms developed to predict the effect of sequence changes on RNA splicing suggest that this variant may disrupt the consensus splice site. In summary, the available evidence is currently insufficient to determine the role of this variant in disease. Therefore, it has been classified as a Variant of Uncertain Significance.

Ambry Genetics
Classification: Likely benign for Cardiovascular phenotype. Last evaluated: 2020-01-29. Review status: criteria provided, single submitter. Criteria: Ambry Variant Classification Scheme 2023. Collection method: clinical testing. Allele origin: germline.

Literature cited by the submitters: PubMed 16199547 (cited by Labcorp Genetics (formerly Invitae), Labcorp).